The following is an entry in ClinVar:

ClinVar aggregate classification (germline): Uncertain significance. Review status: criteria provided, multiple submitters, no conflicts (2 of 4 stars). 3 submissions from 3 submitters: Uncertain significance (3). Last evaluated 2025-12-11.

Conditions:
Cranioectodermal dysplasia 3 (CED3). Identifiers: Orphanet 1515, MedGen C3279807, MONDO:0013573, OMIM 614099.
Short-rib thoracic dysplasia 18 with polydactyly. Identifiers: MedGen C4693420, MONDO:0036483, OMIM 617866.
Retinitis pigmentosa 81 (RP81). Identifiers: MedGen C4693443, MONDO:0036482, OMIM 617871.

Allele frequency attached by ClinVar (database versions not stated): TOPMed 0.00002; gnomAD 0.00003 and 0.00004; gnomAD exomes 0.00008; ExAC 0.00009.
gnomAD v4.1: 77 of 1,614,050 alleles (0.0048%); highest among the groups gnomAD compares: Middle Eastern, 0.017%; no homozygotes.

Submissions (3):

Ambry Genetics
Classification: Uncertain significance. Last evaluated: 2025-12-11. Review status: criteria provided, single submitter. Criteria: Ambry Variant Classification Scheme 2023. Collection method: clinical testing. Allele origin: germline.

Labcorp Genetics (formerly Invitae), Labcorp
Classification: Uncertain significance. Last evaluated: 2023-09-03. Review status: criteria provided, single submitter. Criteria: Invitae Variant Classification Sherloc (09022015). Collection method: clinical testing. Allele origin: germline.
Comment: In summary, the available evidence is currently insufficient to determine the role of this variant in disease. Therefore, it has been classified as a Variant of Uncertain Significance. Algorithms developed to predict the effect of missense changes on protein structure and function output the following: SIFT: "Not Available"; PolyPhen-2: "Benign"; Align-GVGD: "Not Available". The methionine amino acid residue is found in multiple mammalian species, which suggests that this missense change does not adversely affect protein function. ClinVar contains an entry for this variant (Variation ID: 1347419). This variant has not been reported in the literature in individuals affected with IFT43-related conditions. This variant is present in population databases (rs759241440, gnomAD 0.02%). This sequence change replaces threonine, which is neutral and polar, with methionine, which is neutral and non-polar, at codon 201 of the IFT43 protein (p.Thr201Met).

Fulgent Genetics
Classification: Uncertain significance for Cranioectodermal dysplasia 3; Short-rib thoracic dysplasia 18 with polydactyly; Retinitis pigmentosa 81. Last evaluated: 2021-12-17. Review status: criteria provided, single submitter. Criteria: ACMG Guidelines, 2015. Collection method: clinical testing. Allele origin: unknown.

NM_001102564.3(IFT43):c.587C>T (p.Thr196Met)

Gene: IFT43 (intraflagellar transport 43; plus strand). Cytogenetic location: 14q24.3.
Variant type: single nucleotide variant.
Coding change: c.587C>T on transcript NM_001102564.3 (MANE Select); coding-DNA position 587, C replaced by T.
Protein change: p.Thr196Met; replaces threonine 196 with methionine.
Molecular consequence: missense variant. On other transcripts: non-coding transcript variant (2).
Genome position (GRCh38, 1-based): chr14:76,083,537, C>T. VCF-style: chr14-76083537-C-T. GRCh37 (hg19) VCF-style: chr14-76549880-C-T.
Other names: c.602C>T (NM_052873.2); c.602C>T, p.Thr201Met (NM_052873.3); short protein forms T201M, T196M.
Identifiers: ClinVar variation 1347419 (VCV001347419.6), dbSNP rs759241440, ClinGen allele CA7280964.